The following is an entry in ClinVar:

ClinVar aggregate classification (germline): Likely benign. Review status: criteria provided, multiple submitters, no conflicts (2 of 4 stars). 3 submissions from 3 submitters: Likely benign (2). 1 of the submissions does not count toward it. Last evaluated 2024-04-01.

Conditions:
Focal segmental glomerulosclerosis 5 (FSGS5). Identifiers: Orphanet 656, MedGen C2750475, MONDO:0013191, OMIM 613237.
Charcot-Marie-Tooth disease dominant intermediate E. Also called: CHARCOT-MARIE-TOOTH NEUROPATHY WITH FOCAL SEGMENTAL GLOMERULONEPHRITIS. Identifiers: Orphanet 93114, MedGen C4302667, MONDO:0013758, OMIM 614455.
INF2-related disorder. Also called: INF2-related condition.

gnomAD v4.1: 11 of 1,608,904 alleles (0.00068%); highest among the groups gnomAD compares: Middle Eastern, 0.016%; no homozygotes.

Submissions (3):

CeGaT Center for Human Genetics Tuebingen
Classification: Likely benign. Last evaluated: 2024-04-01. Review status: criteria provided, single submitter. Criteria: CeGaT Center For Human Genetics Tuebingen Variant Classification Criteria Version 2. Collection method: clinical testing. Allele origin: germline. Affected: yes. Observed: 1 variant allele.
Comment: INF2: BP4, BP7

Labcorp Genetics (formerly Invitae), Labcorp
Classification: Likely benign for Charcot-Marie-Tooth disease dominant intermediate E; Focal segmental glomerulosclerosis 5. Last evaluated: 2023-03-26. Review status: criteria provided, single submitter. Criteria: Invitae Variant Classification Sherloc (09022015). Collection method: clinical testing. Allele origin: germline.

PreventionGenetics, part of Exact Sciences
Classification: Likely benign for INF2-related condition. Last evaluated: 2019-08-29. Review status: no assertion criteria provided. Collection method: clinical testing. Allele origin: germline. Not counted in ClinVar's aggregate classification.
Comment: This variant is classified as likely benign based on ACMG/AMP sequence variant interpretation guidelines (Richards et al. 2015 PMID: 25741868, with internal and published modifications).

NM_022489.4(INF2):c.1018C>A (p.Arg340=)

Gene: INF2 (inverted formin 2; plus strand). Cytogenetic location: 14q32.33.
Variant type: single nucleotide variant.
Coding change: c.1018C>A on transcript NM_022489.4 (MANE Select); coding-DNA position 1018, C replaced by A.
Protein change: p.Arg340=; no amino-acid change (arginine 340 retained).
Molecular consequence: synonymous variant.
Genome position (GRCh38, 1-based): chr14:104,707,285, C>A. VCF-style: chr14-104707285-C-A. GRCh37 (hg19) VCF-style: chr14-105173622-C-A.
Other names: c.1018C>A, p.Arg340= (NM_001031714.4); c.1018C>A (NM_022489.3).
Identifiers: ClinVar variation 1902597 (VCV001902597.26), dbSNP rs753651657, ClinGen allele CA7372494.